The following is an entry in ClinVar:

NM_213653.4(HJV):c.1076A>G (p.His359Arg)

Gene: HJV (hemojuvelin BMP co-receptor; minus strand). Cytogenetic location: 1q21.1.
Variant type: single nucleotide variant.
Coding change: c.1076A>G on transcript NM_213653.4 (MANE Select); coding-DNA position 1076, A replaced by G.
Protein change: p.His359Arg; replaces histidine 359 with arginine.
Molecular consequence: missense variant.
Genome position (GRCh38, 1-based): chr1:146,018,282, T>C on the plus strand (A>G on the coding strand, the complement: HJV is on the minus strand). VCF-style: chr1-146018282-T-C. GRCh37 (hg19) VCF-style: chr1-145416731-A-G.
Other names: c.398A>G, p.His133Arg (NM_001316767.2, NM_202004.4, NM_213652.4); c.1076A>G, p.His359Arg (NM_001379352.1); c.737A>G, p.His246Arg (NM_145277.5); short protein forms H359R, H133R, H246R.
Identifiers: ClinVar variation 2062440 (VCV002062440.1), dbSNP rs1277203297, ClinGen allele CA342133152.

ClinVar aggregate classification (germline): Uncertain significance (1 of 4 stars; one submission).

Allele frequency attached by ClinVar (database versions not stated): gnomAD exomes 0.00001; gnomAD 0.00002; TOPMed 0.00002.
gnomAD v4.1: 8 of 1,614,054 alleles (0.0005%); highest among the groups gnomAD compares: African/African-American, 0.0013%; no homozygotes.

Submission:

Labcorp Genetics (formerly Invitae), Labcorp
Classification: Uncertain significance. Last evaluated: 2021-08-24. Review status: criteria provided, single submitter. Criteria: Invitae Variant Classification Sherloc (09022015). Collection method: clinical testing. Allele origin: germline.
Comment: This sequence change replaces histidine with arginine at codon 359 of the HJV protein (p.His359Arg). The histidine residue is moderately conserved and there is a small physicochemical difference between histidine and arginine. This variant is not present in population databases (ExAC no frequency). This variant has not been reported in the literature in individuals affected with HJV-related conditions. Algorithms developed to predict the effect of missense changes on protein structure and function (SIFT, PolyPhen-2, Align-GVGD) all suggest that this variant is likely to be tolerated. In summary, the available evidence is currently insufficient to determine the role of this variant in disease. Therefore, it has been classified as a Variant of Uncertain Significance.